The following is an entry in ClinVar:

NM_001282717.2(STAG3):c.3315G>C (p.Thr1105=)

Gene: STAG3 (STAG3 cohesin complex component; plus strand). Cytogenetic location: 7q22.1.
Variant type: single nucleotide variant.
Coding change: c.3315G>C on transcript NM_001282717.2 (MANE Select); coding-DNA position 3315, G replaced by C.
Protein change: p.Thr1105=; no amino-acid change (threonine 1105 retained).
Molecular consequence: synonymous variant. On other transcripts: non-coding transcript variant (1).
Genome position (GRCh38, 1-based): chr7:100,211,087, G>C. VCF-style: chr7-100211087-G-C. GRCh37 (hg19) VCF-style: chr7-99808710-G-C.
Other names: c.3315G>C, p.Thr1105= (NM_001282716.1, NM_001375438.1, NM_012447.4); c.3141G>C, p.Thr1047= (NM_001282718.2).
Identifiers: ClinVar variation 2657744 (VCV002657744.24), dbSNP rs756307493, ClinGen allele CA456701446.

ClinVar aggregate classification (germline): Likely benign (1 of 4 stars; one submission).

Submission:

CeGaT Center for Human Genetics Tuebingen
Classification: Likely benign. Last evaluated: 2023-04-01. Review status: criteria provided, single submitter. Criteria: CeGaT Center For Human Genetics Tuebingen Variant Classification Criteria Version 2. Collection method: clinical testing. Allele origin: germline. Affected: yes. Observed: 1 variant allele.
Comment: STAG3: BP4, BP7